The following is an entry in ClinVar:

ClinVar aggregate classification (germline): Uncertain significance (1 of 4 stars; one submission).

Submission:

GeneDx
Classification: Uncertain significance. Last evaluated: 2026-10-22. Review status: criteria provided, single submitter. Criteria: GeneDx Variant Classification Process June 2021. Collection method: clinical testing. Allele origin: germline.
Comment: In-frame deletion of 5 amino acids in a non-repeat region; Not observed at significant frequency in large population cohorts (gnomAD); In silico analysis supports a deleterious effect on protein structure/function; Has not been previously published as pathogenic or benign to our knowledge

NM_004974.4(KCNA2):c.321_335del (p.Asp107_Glu111del)

Gene: KCNA2 (potassium voltage-gated channel subfamily A member 2; minus strand). Cytogenetic location: 1p13.3.
Variant type: Deletion.
Coding change: c.321_335del on transcript NM_004974.4 (MANE Select); coding-DNA positions 321 to 335, 15 bases deleted (TATATTCTCTGAAGA).
Protein change: p.Asp107_Glu111del.
Genome position (GRCh38, 1-based): chr1:110,604,448-110,604,462, TCTTCAGAGAATATA deleted on the plus strand (TATATTCTCTGAAGA on the coding strand, the reverse complement: KCNA2 is on the minus strand); deleting any 15 consecutive bases within chr1:110,604,448-110,604,465 gives the same sequence; the c. name uses the placement nearest the transcript's 3' end. VCF-style (leftmost placement, unchanged base first): chr1-110604447-TTCTTCAGAGAATATA-T. GRCh37 (hg19) VCF-style: chr1-111147069-TTCTTCAGAGAATATA-T.
Other names: c.321_335del, p.Asp107_Glu111del (NM_001204269.2).
Identifiers: ClinVar variation 3373394 (VCV003373394.3).